The following is an entry in ClinVar:

NM_014141.6(CNTNAP2):c.2497del (p.Trp833fs)

Gene: CNTNAP2 (contactin associated protein 2; plus strand). Cytogenetic location: 7q35.
Variant type: Deletion.
Coding change: c.2497del on transcript NM_014141.6 (MANE Select); coding-DNA position 2497, one base deleted (T; older notation c.2497delT).
Protein change: p.Trp833fs; shifts the reading frame from tryptophan 833.
Molecular consequence: frameshift variant.
Genome position (GRCh38, 1-based): chr7:148,118,231, T deleted. VCF-style (leftmost placement, unchanged base first): chr7-148118230-CT-C. GRCh37 (hg19) VCF-style: chr7-147815322-CT-C.
Other names: c.2497del (NM_014141.5); short protein forms W833fs.
Identifiers: ClinVar variation 536312 (VCV000536312.20), dbSNP rs1391540245, ClinGen allele CA658797055.
Genomic context (GRCh38, chr7:148,118,230, plus strand): 5'-CTCTACTTTCCAAGGGGAAACTAGCGCTGACATTTCTTTCTACTTCAAAACATTAACCCC[CT>C]GGGGAGTGTTTCTTGAAAATATGGGAAAGGAAGATTTCATCAAGCTGGAGCTGAAGTGTG-3'

ClinVar aggregate classification (germline): Pathogenic/Likely pathogenic. Review status: criteria provided, multiple submitters, no conflicts (2 of 4 stars). 5 submissions from 5 submitters: Pathogenic (4); Likely pathogenic (1). Last evaluated 2025-10-07.

Conditions:
Inborn genetic diseases. Identifiers: MedGen C0950123, MeSH D030342.
Cortical dysplasia-focal epilepsy syndrome (PTHSL1). Also called: Pitt-Hopkins-like syndrome 1. Identifiers: Orphanet 163681, Orphanet 221150, MedGen C2750246, MONDO:0012400, OMIM 610042.
Autism, susceptibility to, 15. Also called: Autism susceptibility 15. Identifiers: MedGen C2677504, MONDO:0012801, OMIM 612100.

Allele frequency attached by ClinVar (database versions not stated): gnomAD 0.00001; TOPMed 0.00003.

Submissions (5):

GeneDx
Classification: Pathogenic. Last evaluated: 2025-10-07. Review status: criteria provided, single submitter. Criteria: GeneDx Variant Classification Process June 2021. Collection method: clinical testing. Allele origin: germline. Affected: yes.
Comment: Frameshift variant predicted to result in protein truncation or nonsense mediated decay in a gene for which loss of function is a known mechanism of disease; Not observed at significant frequency in large population cohorts (gnomAD); This variant is associated with the following publications: (PMID: 34926809, 31440721)

Labcorp Genetics (formerly Invitae), Labcorp
Classification: Pathogenic for Cortical dysplasia-focal epilepsy syndrome. Last evaluated: 2025-05-26. Review status: criteria provided, single submitter. Criteria: Invitae Variant Classification Sherloc (09022015). Collection method: clinical testing. Allele origin: germline.
Comment: This sequence change creates a premature translational stop signal (p.Trp833Glyfs*18) in the CNTNAP2 gene. It is expected to result in an absent or disrupted protein product. Loss-of-function variants in CNTNAP2 are known to be pathogenic (PMID: 19896112, 21827697, 25045150, 26843181, 27439707). This variant is not present in population databases (gnomAD no frequency). This variant has not been reported in the literature in individuals affected with CNTNAP2-related conditions. ClinVar contains an entry for this variant (Variation ID: 536312). For these reasons, this variant has been classified as Pathogenic.

Fulgent Genetics
Classification: Pathogenic for Cortical dysplasia-focal epilepsy syndrome; Autism, susceptibility to, 15. Last evaluated: 2024-02-15. Review status: criteria provided, single submitter. Criteria: ACMG Guidelines, 2015. Collection method: clinical testing. Allele origin: germline.

Ambry Genetics
Classification: Pathogenic for Inborn genetic diseases. Last evaluated: 2022-08-17. Review status: criteria provided, single submitter. Criteria: Ambry Variant Classification Scheme 2023. Collection method: clinical testing. Allele origin: germline.
Comment: The c.2497delT (p.W833Gfs*18) alteration, located in exon 16 (coding exon 16) of the CNTNAP2 gene, consists of a deletion of one nucleotide at position 2497, causing a translational frameshift with a predicted alternate stop codon after 18 amino acids. This alteration is expected to result in loss of function by premature protein truncation or nonsense-mediated mRNA decay. This variant was not reported in population-based cohorts in the Genome Aggregation Database (gnomAD). Based on the available evidence, this alteration is classified as pathogenic.

New York Genome Center
Classification: Likely pathogenic for Cortical dysplasia-focal epilepsy syndrome. Last evaluated: 2021-05-27. Review status: criteria provided, single submitter. Criteria: NYGC Assertion Criteria 2020. Collection method: clinical testing. Allele origin: germline. Observed: 1 homozygote. Study: CSER-NYCKidSeq.
Comment: The homozygous c.2497del (p.Trp833GlyfsTer18) variant identified in the CNTNAP2 gene is the deletion of a single nucleotide resulting in the frameshift of the protein at amino acid 833/1332 (exon 16/24). This variant is found with low frequency in gnomAD(v3.1.1) (2 heterozygotes, 0 homozygotes; allelefrequency:1.31e-5) suggesting it is not a common benign variant in the populations represented in that database. The c.2497del (p.Trp833GlyfsTer18) variant isreported in ClinVar as Pathogenic (VarID:536312) and to our current knowledge has not been reported in affected individuals in the literature, although nonsense and frameshift variants downstream of this one have been reported in affected individuals [PMID:27439707]. Given its deleterious nature and absence in population databases, the homozygous c.2497del (p.Trp833GlyfsTer18) variant identified in the CNTNAP2 gene is reported as Likely Pathogenic.

Literature cited by the submitters: PubMed 19896112 (cited by Labcorp Genetics (formerly Invitae), Labcorp); PubMed 21827697 (cited by Labcorp Genetics (formerly Invitae), Labcorp); PubMed 25045150 (cited by Labcorp Genetics (formerly Invitae), Labcorp); PubMed 26843181 (cited by Labcorp Genetics (formerly Invitae), Labcorp); PubMed 27439707 (cited by Labcorp Genetics (formerly Invitae), Labcorp).